The following is an entry in ClinVar:

ClinVar aggregate classification (germline): Uncertain significance (1 of 4 stars; one submission).

Conditions:
UDPglucose-4-epimerase deficiency. Also called: Epimerase Deficiency Galactosemia; UDP-GALACTOSE-4-EPIMERASE DEFICIENCY; Galactose epimerase deficiency; UDPglucose 4-Epimerase Deficiency Disease; GALACTOSEMIA III; GALE DEFICIENCY. Identifiers: Orphanet 352, Orphanet 79238, MedGen C0751161, MONDO:0009257, OMIM 230350.

Allele frequency attached by ClinVar (database versions not stated): ESP Exome Variant Server 0.00008; gnomAD 0.00002; gnomAD exomes 0.00002; TOPMed 0.00002; ExAC 0.00003.
gnomAD v4.1: 12 of 1,611,762 alleles (0.00074%); highest among the groups gnomAD compares: Non-Finnish European, 0.00076%; no homozygotes.

Submission:

Labcorp Genetics (formerly Invitae), Labcorp
Classification: Uncertain significance for UDPglucose-4-epimerase deficiency. Last evaluated: 2021-09-01. Review status: criteria provided, single submitter. Criteria: Invitae Variant Classification Sherloc (09022015). Collection method: clinical testing. Allele origin: germline.
Comment: This sequence change replaces histidine with proline at codon 243 of the GALE protein (p.His243Pro). The histidine residue is highly conserved and there is a moderate physicochemical difference between histidine and proline. This variant is present in population databases (rs143015594, ExAC 0.005%). This variant has not been reported in the literature in individuals affected with GALE-related conditions. Algorithms developed to predict the effect of missense changes on protein structure and function (SIFT, PolyPhen-2, Align-GVGD) all suggest that this variant is likely to be disruptive. In summary, the available evidence is currently insufficient to determine the role of this variant in disease. Therefore, it has been classified as a Variant of Uncertain Significance.

NM_001008216.2(GALE):c.728A>C (p.His243Pro)

Gene: GALE (UDP-galactose-4-epimerase; minus strand). Cytogenetic location: 1p36.11.
Variant type: single nucleotide variant.
Coding change: c.728A>C on transcript NM_001008216.2 (MANE Select); coding-DNA position 728, A replaced by C.
Protein change: p.His243Pro; replaces histidine 243 with proline.
Molecular consequence: missense variant.
Genome position (GRCh38, 1-based): chr1:23,796,764, T>G on the plus strand (A>C on the coding strand, the complement: GALE is on the minus strand). VCF-style: chr1-23796764-T-G. GRCh37 (hg19) VCF-style: chr1-24123254-T-G.
Other names: c.728A>C, p.His243Pro (NM_000403.4, NM_001127621.2); short protein forms H243P.
Identifiers: ClinVar variation 1064360 (VCV001064360.6), dbSNP rs143015594, ClinGen allele CA685559.
Genomic context (GRCh38, chr1:23,796,764, plus strand): 5'-CCACACTGTTCTTTCAGCTTCCTTAAGGCTGCAATGTGGCCCTTGGCCAGATCCACGACA[T>G]GGATGTAATCCCGGACACCTGCAGAGAAGGGAGTGTGTTGGATGGGGAGTCTGTTCCCCC-3'
Protein context (NP_001008217.1, residues 233-253): EDGTGVRDYI[His243Pro]VVDLAKGHIA